The following is an entry in ClinVar:

NM_004974.4(KCNA2):c.448T>C (p.Trp150Arg)

Gene: KCNA2 (potassium voltage-gated channel subfamily A member 2; minus strand). Cytogenetic location: 1p13.3.
Variant type: single nucleotide variant.
Coding change: c.448T>C on transcript NM_004974.4 (MANE Select); coding-DNA position 448, T replaced by C.
Protein change: p.Trp150Arg; replaces tryptophan 150 with arginine.
Molecular consequence: missense variant.
Genome position (GRCh38, 1-based): chr1:110,604,335, A>G on the plus strand (T>C on the coding strand, the complement: KCNA2 is on the minus strand). VCF-style: chr1-110604335-A-G. GRCh37 (hg19) VCF-style: chr1-111146957-A-G.
Other names: c.448T>C, p.Trp150Arg (NM_001204269.2); short protein forms W150R.
Identifiers: ClinVar variation 1016452 (VCV001016452.11), dbSNP rs1649500367, ClinGen allele CA341605357.
Genomic context (GRCh38, chr1:110,604,335, plus strand): 5'-CAGACACAATAGCTATAATCCTGGCAGGCCCTGAGCTCTCTGGGTATTCAAAGAGAAGCC[A>G]CACTTGTCTCTGAAACTCATTTTCAGGCAGAGGACGCTCTTCCTCCTTGATGTAGCCTTC-3'
Protein context (NP_004965.1, residues 140-160): LPENEFQRQV[Trp150Arg]LLFEYPESSG

ClinVar aggregate classification (germline): Uncertain significance. Review status: criteria provided, multiple submitters, no conflicts (2 of 4 stars). 3 submissions from 3 submitters: Uncertain significance (3). Last evaluated 2022-01-25.

Conditions:
Developmental and epileptic encephalopathy, 32 (DEE32). Also called: Epileptic encephalopathy, early infantile, 32. Identifiers: Orphanet 442835, MedGen C4225350, MONDO:0014607, OMIM 616366.

Submissions (3):

Blueprint Genetics
Classification: Uncertain significance. Last evaluated: 2022-01-25. Review status: criteria provided, single submitter. Criteria: ACMG Guidelines, 2015. Collection method: clinical testing. Allele origin: germline.

Labcorp Genetics (formerly Invitae), Labcorp
Classification: Uncertain significance for Developmental and epileptic encephalopathy, 32. Last evaluated: 2020-03-02. Review status: criteria provided, single submitter. Criteria: Invitae Variant Classification Sherloc (09022015). Collection method: clinical testing. Allele origin: germline.
Comment: In summary, the available evidence is currently insufficient to determine the role of this variant in disease. Therefore, it has been classified as a Variant of Uncertain Significance. Algorithms developed to predict the effect of missense changes on protein structure and function (SIFT, PolyPhen-2, Align-GVGD) all suggest that this variant is likely to be disruptive, but these predictions have not been confirmed by published functional studies and their clinical significance is uncertain. This variant has not been reported in the literature in individuals with KCNA2-related conditions. This variant is not present in population databases (ExAC no frequency). This sequence change replaces tryptophan with arginine at codon 150 of the KCNA2 protein (p.Trp150Arg). The tryptophan residue is highly conserved and there is a moderate physicochemical difference between tryptophan and arginine.

GeneDx
Classification: Uncertain significance. Last evaluated: 2019-03-13. Review status: criteria provided, single submitter. Criteria: GeneDx Variant Classification Process June 2021. Collection method: clinical testing. Allele origin: germline. Affected: yes.
Comment: Not observed in large population cohorts (Lek et al., 2016; McVean et al., 2012; Exome Variant Server); In silico analysis, which includes protein predictors and evolutionary conservation, supports a deleterious effect; Has not been previously published as pathogenic or benign to our knowledge